The following is an entry in ClinVar:

ClinVar aggregate classification (germline): Pathogenic/Likely pathogenic. Review status: criteria provided, multiple submitters, no conflicts (2 of 4 stars). 6 submissions from 6 submitters: Pathogenic (4); Likely pathogenic (1). 1 of the submissions does not count toward it. Last evaluated 2025-11-27.

Conditions:
Argininosuccinate lyase deficiency. Also called: Argininosuccinic aciduria; ARGININOSUCCINIC ACID LYASE DEFICIENCY; ASL DEFICIENCY. Identifiers: Orphanet 23, MedGen C0268547, MONDO:0008815, OMIM 207900, HP:0025630.

Allele frequency attached by ClinVar (database versions not stated): TOPMed below 0.00001; gnomAD exomes 0.00001; ExAC 0.00002.
gnomAD v4.1: 15 of 1,614,038 alleles (0.00093%); highest among the groups gnomAD compares: Non-Finnish European, 0.0011%; no homozygotes.

Submissions (6):

Natera, Inc.
Classification: Pathogenic for Argininosuccinate lyase deficiency. Last evaluated: 2025-11-27. Review status: criteria provided, single submitter. Criteria: Natera Variant Classification Schema (03/2026). Collection method: clinical testing. Allele origin: germline.
Comment: The c.91G>A variant in ASL is a missense variant predicted to cause substitution of aspartic acid to asparagine at amino acid 31. This variant is rare in the general population with a frequency below the threshold expected for the associated phenotype(s). This variant has been observed in one or more individuals affected with the associated recessive disease, as either homozygous or compound heterozygous with a second variant (PMID: 33851512). Additionally, this variant has been observed to segregate in affected family members (PMID: 17326097). Functional studies show that this variant may disrupt protein function (PMID: 25778938). Computational prediction algorithms indicate this variant is likely to affect gene or protein function. Given the available evidence, this variant is classified as Pathogenic.

Fulgent Genetics
Classification: Pathogenic for Argininosuccinate lyase deficiency. Last evaluated: 2024-03-12. Review status: criteria provided, single submitter. Criteria: ACMG Guidelines, 2015. Collection method: clinical testing. Allele origin: germline.

Labcorp Genetics (formerly Invitae), Labcorp
Classification: Pathogenic for Argininosuccinate lyase deficiency. Last evaluated: 2023-10-28. Review status: criteria provided, single submitter. Criteria: Invitae Variant Classification Sherloc (09022015). Collection method: clinical testing. Allele origin: germline.
Comment: This sequence change replaces aspartic acid, which is acidic and polar, with asparagine, which is neutral and polar, at codon 31 of the ASL protein (p.Asp31Asn). This variant is present in population databases (rs754995756, gnomAD 0.003%). This missense change has been observed in individual(s) with argininosuccinate lyase deficiency (PMID: 17326097). It has also been observed to segregate with disease in related individuals. ClinVar contains an entry for this variant (Variation ID: 551039). Advanced modeling of protein sequence and biophysical properties (such as structural, functional, and spatial information, amino acid conservation, physicochemical variation, residue mobility, and thermodynamic stability) performed at Invitae indicates that this missense variant is expected to disrupt ASL protein function with a positive predictive value of 95%. Experimental studies have shown that this missense change affects ASL function (PMID: 25778938). For these reasons, this variant has been classified as Pathogenic.

Women's Health and Genetics/Laboratory Corporation of America, LabCorp
Classification: Pathogenic for Argininosuccinate lyase deficiency. Last evaluated: 2023-06-02. Review status: criteria provided, single submitter. Criteria: LabCorp Variant Classification Summary - May 2015. Collection method: clinical testing. Allele origin: germline.
Comment: Variant summary: ASL c.91G>A (p.Asp31Asn) results in a conservative amino acid change to a highly conserved residue (HGMD) located in the Fumarate lysate, N-terminal (IPR022761) of the encoded protein sequence. Four of five in-silico tools predict a damaging effect of the variant on protein function. The variant allele was found at a frequency of 8e-06 in 250768 control chromosomes (gnomAD). c.91G>A has been reported in the literature in multiple individuals affected with Argininosuccinic Aciduria (Trevisson_2007, Balmer_2014, Brambilla_2019), and some were reported as compound heterozygous with other likely pathogenic variants. These data indicate that the variant is very likely to be associated with disease. At least one publication reports experimental evidence evaluating an impact on protein function in cells transfected with the variant construct, resulting in <10% of normal ASL activity (Hu_2015). The following publications have been ascertained in the context of this evaluation (PMID: 17326097, 24166829, 25778938, 31056765). Three clinical diagnostic laboratories have submitted clinical-significance assessments for this variant to ClinVar after 2014, and classified it as uncertain significance (n=1) or pathogenic/likely pathogenic (n=2). Based on the evidence outlined above, the variant was classified as pathogenic.

Beijing Key Laboratry for Genetics of Birth Defects, Beijing Children's Hospital
Classification: Likely pathogenic for Argininosuccinate lyase deficiency. Last evaluated: 2020-02-28. Review status: criteria provided, single submitter. Criteria: ACMG Guidelines, 2015. Collection method: clinical testing. Allele origin: germline. Affected: yes. Observed: 1 variant allele.

Counsyl
Classification: Uncertain significance for Argininosuccinate lyase deficiency. Last evaluated: 2017-03-10. Review status: no assertion criteria provided. Collection method: clinical testing. Allele origin: unknown. Not counted in ClinVar's aggregate classification.

Literature cited by the submitters: PubMed 33851512 (cited by Natera, Inc.); PubMed 17326097 (cited by 4 submitters); PubMed 25778938 (cited by 4 submitters); PubMed 24166829 (cited by Women's Health and Genetics/Laboratory Corporation of America, LabCorp and Counsyl); PubMed 31056765 (cited by Women's Health and Genetics/Laboratory Corporation of America, LabCorp); PubMed 19703900 (cited by Counsyl).

NM_000048.4(ASL):c.91G>A (p.Asp31Asn)

Gene: ASL (argininosuccinate lyase; plus strand). Cytogenetic location: 7q11.21.
Variant type: single nucleotide variant.
Coding change: c.91G>A on transcript NM_000048.4 (MANE Select); coding-DNA position 91, G replaced by A.
Protein change: p.Asp31Asn; replaces aspartic acid 31 with asparagine.
Molecular consequence: missense variant.
Genome position (GRCh38, 1-based): chr7:66,081,881, G>A. VCF-style: chr7-66081881-G-A. GRCh37 (hg19) VCF-style: chr7-65546868-G-A.
Other names: c.91G>A, p.Asp31Asn (NM_001024943.2, NM_001024944.2, NM_001024946.2); short protein forms D31N.
Identifiers: ClinVar variation 551039 (VCV000551039.16), dbSNP rs754995756, ClinGen allele CA4276827.